The following is an entry in ClinVar:

NM_052947.4(ALPK2):c.5555A>G (p.Asp1852Gly)

Gene: ALPK2 (alpha kinase 2; minus strand). Cytogenetic location: 18q21.31.
Variant type: single nucleotide variant.
Coding change: c.5555A>G on transcript NM_052947.4 (MANE Select); coding-DNA position 5555, A replaced by G.
Protein change: p.Asp1852Gly; replaces aspartic acid 1852 with glycine.
Molecular consequence: missense variant.
Genome position (GRCh38, 1-based): chr18:58,524,009, T>C on the plus strand (A>G on the coding strand, the complement: ALPK2 is on the minus strand). VCF-style: chr18-58524009-T-C. GRCh37 (hg19) VCF-style: chr18-56191241-T-C.
Other names: short protein forms D1852G.
Identifiers: ClinVar variation 2497247 (VCV002497247.2), dbSNP rs749611893, ClinGen allele CA8976445.
Genomic context (GRCh38, chr18:58,524,009, plus strand): 5'-TTAAATTCAGCAGTCACTTTTCCGTAGCTGTTCTTGATGCAGCAGTAATAGAGTCCCTGG[T>C]CCTTCGGACTGGCTTGCACGATGGCAAAGGAAACAGTGGAGTTGTCCCCTGCACTGCAAT-3'
Protein context (NP_443179.3, residues 1842-1862): SFAIVQASPK[Asp1852Gly]QGLYYCCIKN

ClinVar aggregate classification (germline): Uncertain significance (1 of 4 stars; one submission).

Allele frequency attached by ClinVar (database versions not stated): ExAC 0.00001; gnomAD 0.00001; gnomAD exomes 0.00001; TOPMed 0.00001.
gnomAD v4.1: 9 of 1,614,006 alleles (0.00056%); highest among the groups gnomAD compares: Non-Finnish European, 0.00076%; no homozygotes.

Submission:

Ambry Genetics
Classification: Uncertain significance. Last evaluated: 2023-02-27. Review status: criteria provided, single submitter. Criteria: Ambry Variant Classification Scheme 2023. Collection method: clinical testing. Allele origin: germline.
Comment: The p.D1852G variant (also known as c.5555A>G), located in coding exon 6 of the ALPK2 gene, results from an A to G substitution at nucleotide position 5555. The aspartic acid at codon 1852 is replaced by glycine, an amino acid with similar properties. This amino acid position is conserved. In addition, this alteration is predicted to be deleterious by in silico analysis. Since supporting evidence is limited at this time, the clinical significance of this alteration remains unclear.